The following is an entry in ClinVar:

NM_000186.4(CFH):c.2934G>T (p.Trp978Cys)

Gene: CFH (complement factor H; plus strand). Cytogenetic location: 1q31.3.
Variant type: single nucleotide variant.
Coding change: c.2934G>T on transcript NM_000186.4 (MANE Select); coding-DNA position 2934, G replaced by T.
Protein change: p.Trp978Cys; replaces tryptophan 978 with cysteine.
Molecular consequence: missense variant.
Genome position (GRCh38, 1-based): chr1:196,740,770, G>T. VCF-style: chr1-196740770-G-T. GRCh37 (hg19) VCF-style: chr1-196709900-G-T.
Other names: short protein forms W978C.
Identifiers: ClinVar variation 4291521 (VCV004291521.2).

ClinVar aggregate classification (germline): Likely pathogenic, low penetrance (1 of 4 stars; one submission).

Conditions:
Atypical hemolytic-uremic syndrome. Identifiers: Orphanet 2134, MedGen C2931788, MONDO:0016244.

Submission:

Genomenon, Inc
Classification: Likely pathogenic, low penetrance for Atypical hemolytic-uremic syndrome. Last evaluated: 2025-10-02. Review status: criteria provided, single submitter. Criteria: Genomenon Sequence Variant Interpretation Standards - Updated. Collection method: curation. Allele origin: germline. Affected: yes.
Comment: CFH p.Trp978Cys (c.2934G>T) is a missense variant that changes the amino acid at residue 978 from Tryptophan to Cysteine. This variant has been observed in at least one proband affected with atypical hemolytic uremic syndrome (PMID:12960213). The variant was found to segregate with disease in at least one affected family (PMID:12960213). It is absent or not present at a significant frequency in gnomAD. In silico models agree that this variant is possibly or probably damaging. In conclusion, we classify CFH p.Trp978Cys (c.2934G>T) as a likely pathogenic, low penetrance variant.

Literature cited by the submitters: PubMed 29686068; PubMed 12960213; PubMed 21906045; PubMed 20059470; PubMed 25188723; PubMed 16968692; PubMed 18215115; PubMed 22170528; PubMed 24161037; PubMed 16189652; PubMed 23251215; PubMed 20526633; PubMed 14564205; PubMed 15163532; PubMed 16893081; PubMed 20090363.